The following is an entry in ClinVar:

ClinVar aggregate classification (germline): Uncertain significance (1 of 4 stars; one submission).

Conditions:
Hereditary cancer-predisposing syndrome. Also called: Tumor predisposition; Hereditary Cancer Syndrome; Hereditary neoplastic syndrome; Neoplastic Syndromes, Hereditary. Identifiers: Orphanet 140162, MedGen C0027672, MeSH D009386, MONDO:0015356.

Submission:

Ambry Genetics
Classification: Uncertain significance for Hereditary cancer-predisposing syndrome. Last evaluated: 2025-10-06. Review status: criteria provided, single submitter. Criteria: Ambry Variant Classification Scheme 2023. Collection method: clinical testing. Allele origin: germline.
Comment: The p.A34V variant (also known as c.101C>T), located in coding exon 3 of the SDHC gene, results from a C to T substitution at nucleotide position 101. The alanine at codon 34 is replaced by valine, an amino acid with similar properties. This amino acid position is conserved. In addition, this alteration is predicted to be deleterious by in silico analysis. Based on the available evidence, the clinical significance of this variant remains unclear.

NM_003001.5(SDHC):c.101C>T (p.Ala34Val)

Gene: SDHC (succinate dehydrogenase complex subunit C; plus strand). Cytogenetic location: 1q23.3.
Variant type: single nucleotide variant.
Coding change: c.101C>T on transcript NM_003001.5 (MANE Select); coding-DNA position 101, C replaced by T.
Protein change: p.Ala34Val; replaces alanine 34 with valine.
Molecular consequence: missense variant. On other transcripts: 5 prime UTR variant (2), non-coding transcript variant (1), intron variant (4).
Genome position (GRCh38, 1-based): chr1:161,328,419, C>T. VCF-style: chr1-161328419-C-T. GRCh37 (hg19) VCF-style: chr1-161298209-C-T.
Other names: c.101C>T, p.Ala34Val (NM_001035511.3, NM_001407115.1); c.44C>T, p.Ala15Val (NM_001407116.1, NM_001407117.1, NM_001407121.1); c.-11C>T (NM_001407119.1, NM_001407120.1); c.77+4749C>T (NM_001035512.3, NM_001278172.3, NM_001407118.1); c.21-12175C>T (NM_001035513.3); short protein forms A15V, A34V.
Identifiers: ClinVar variation 4548107 (VCV004548107.1).
Genomic context (GRCh38, chr1:161,328,419, plus strand): 5'-CTTTTAGTTATTTTCAAACGGTCTGGTTTTATTTTAGTGCTGTTCCTTTGGGAACCACGG[C>T]CAAAGAAGAGATGGAGCGGTTCTGGAATAAGAATATAGGTTCAAACCGTCCTCTGTCTCC-3'
Protein context (NP_002992.1, residues 24-44): IRNAVPLGTT[Ala34Val]KEEMERFWNK